The following is an entry in ClinVar:

ClinVar aggregate classification (germline): Uncertain significance (1 of 4 stars; one submission).

Conditions:
Autosomal recessive limb-girdle muscular dystrophy type 2W (MDRCMTT). Also called: Muscular dystrophy, limb-girdle, type 2W; Muscular dystrophy, autosomal recessive, with cardiomyopathy and triangular tongue. Identifiers: MedGen C4225192, MONDO:0014788, OMIM 616827.

Submission:

Labcorp Genetics (formerly Invitae), Labcorp
Classification: Uncertain significance for Muscular dystrophy, limb-girdle, type 2W. Last evaluated: 2019-05-01. Review status: criteria provided, single submitter. Criteria: Invitae Variant Classification Sherloc (09022015). Collection method: clinical testing. Allele origin: germline.
Comment: This sequence change creates a premature translational stop signal (p.Tyr85*) in the LIMS2 gene. It is expected to result in an absent or disrupted protein product. This variant is not present in population databases (ExAC no frequency). This variant has not been reported in the literature in individuals with LIMS2-related conditions. The current clinical and genetic evidence is not sufficient to establish whether loss-of-function variants in LIMS2 cause disease. In summary, the available evidence is currently insufficient to determine the role of this variant in disease. Therefore, it has been classified as a Variant of Uncertain Significance.

NM_001161403.3(LIMS2):c.189C>G (p.Tyr63Ter)

Gene: LIMS2 (LIM zinc finger domain containing 2; minus strand). Cytogenetic location: 2q14.3.
Variant type: single nucleotide variant.
Coding change: c.189C>G on transcript NM_001161403.3 (MANE Select); coding-DNA position 189, C replaced by G.
Protein change: p.Tyr63Ter; replaces tyrosine 63 with a stop codon.
Molecular consequence: nonsense.
Genome position (GRCh38, 1-based): chr2:127,654,879, G>C on the plus strand (C>G on the coding strand, the complement: LIMS2 is on the minus strand). VCF-style: chr2-127654879-G-C. GRCh37 (hg19) VCF-style: chr2-128412453-G-C.
Other names: c.255C>G, p.Tyr85Ter (NM_001136037.4); c.174C>G, p.Tyr58Ter (NM_001161404.2); c.261C>G, p.Tyr87Ter (NM_017980.5); short protein forms Y58*, Y87*, Y85*, Y63*.
Identifiers: ClinVar variation 945219 (VCV000945219.1), dbSNP rs35765118, ClinGen allele CA348431671.